The following is an entry in ClinVar:

ClinVar aggregate classification (germline): Uncertain significance. Review status: criteria provided, multiple submitters, no conflicts (2 of 4 stars). 4 submissions from 4 submitters: Uncertain significance (4). Last evaluated 2025-12-03.

Conditions:
CBL-related disorder. Also called: NOONAN SYNDROME-LIKE DISORDER WITHOUT JUVENILE MYELOMONOCYTIC LEUKEMIA; CBL MUTATION-ASSOCIATED SYNDROME; CBL SYNDROME. Identifiers: Orphanet 363972, MedGen C3150803, MONDO:0013308, OMIM 613563.
Juvenile myelomonocytic leukemia (JMML). Also called: LEUKEMIA, JUVENILE MYELOMONOCYTIC, SOMATIC. Identifiers: Orphanet 86834, MedGen C0349639, MONDO:0011908, OMIM 607785, HP:0012209.
RASopathy. Also called: Noonan spectrum disorder; rasopathies. Identifiers: Orphanet 536391, MedGen C5555857, MONDO:0021060.

Allele frequency attached by ClinVar (database versions not stated): TOPMed below 0.00001; ExAC 0.00001; gnomAD exomes 0.00001; gnomAD 0.00002.
gnomAD v4.1: 16 of 1,613,996 alleles (0.00099%); highest among the groups gnomAD compares: Non-Finnish European, 0.0013%; no homozygotes.

Submissions (4):

Labcorp Genetics (formerly Invitae), Labcorp
Classification: Uncertain significance for RASopathy. Last evaluated: 2025-12-03. Review status: criteria provided, single submitter. Criteria: Invitae Variant Classification Sherloc (09022015). Collection method: clinical testing. Allele origin: germline.
Comment: This sequence change replaces cysteine, which is neutral and slightly polar, with tyrosine, which is neutral and polar, at codon 404 of the CBL protein (p.Cys404Tyr). This variant is present in population databases (rs192712314, gnomAD 0.004%). This variant has not been reported in the literature in individuals affected with CBL-related conditions. ClinVar contains an entry for this variant (Variation ID: 1219330). Invitae Evidence Modeling of protein sequence and biophysical properties (such as structural, functional, and spatial information, amino acid conservation, physicochemical variation, residue mobility, and thermodynamic stability) indicates that this missense variant is expected to disrupt CBL protein function with a positive predictive value of 95%. In summary, the available evidence is currently insufficient to determine the role of this variant in disease. Therefore, it has been classified as a Variant of Uncertain Significance.

GeneDx
Classification: Uncertain significance. Last evaluated: 2020-09-25. Review status: criteria provided, single submitter. Criteria: GeneDx Variant Classification Process June 2021. Collection method: clinical testing. Allele origin: germline. Affected: yes.
Comment: In silico analysis supports that this missense variant has a deleterious effect on protein structure/function; Has not been previously published as germline pathogenic or benign to our knowledge; This variant is associated with the following publications: (PMID: 20644105, 30355600, 27124934, 22658276, 31107544, 20555362, 27220638, 23319568)

Blueprint Genetics
Classification: Uncertain significance. Last evaluated: 2019-12-11. Review status: criteria provided, single submitter. Criteria: ACMG Guidelines, 2015. Collection method: clinical testing. Allele origin: germline.

Juno Genomics, Hangzhou Juno Genomics, Inc
Classification: Uncertain significance for Juvenile myelomonocytic leukemia; CBL-related disorder. Review status: criteria provided, single submitter. Criteria: ACMG Guidelines, 2015. Collection method: clinical testing. Allele origin: germline.
Comment: Absent from controls (or at extremely low frequency if recessive) in Genome Aggregation Database.;Multiple lines of computational evidence support a deleterious effect on the gene or gene product.

NM_005188.4(CBL):c.1211G>A (p.Cys404Tyr)

Gene: CBL (Cbl proto-oncogene; plus strand). Cytogenetic location: 11q23.3.
Variant type: single nucleotide variant.
Coding change: c.1211G>A on transcript NM_005188.4 (MANE Select); coding-DNA position 1211, G replaced by A.
Protein change: p.Cys404Tyr; replaces cysteine 404 with tyrosine.
Molecular consequence: missense variant.
Genome position (GRCh38, 1-based): chr11:119,278,281, G>A. VCF-style: chr11-119278281-G-A. GRCh37 (hg19) VCF-style: chr11-119148991-G-A.
Other names: short protein forms C404Y.
Identifiers: ClinVar variation 1219330 (VCV001219330.12), dbSNP rs192712314, ClinGen allele CA6318452.